The following is an entry in ClinVar:

ClinVar aggregate classification (germline): Likely pathogenic (1 of 4 stars; one submission).

Conditions:
ZTTK syndrome (ZTTKS). Also called: Zhu-Tokita-Takenouchi-Kim Syndrome; ZTTK MULTIPLE CONGENITAL ANOMALIES-MENTAL RETARDATION SYNDROME. Identifiers: Orphanet 500150, MedGen C4310696, MONDO:0014936, OMIM 617140.

Submission:

Division Of Personalized Genomic Medicine, Columbia University Irving Medical Center
Classification: Likely pathogenic for ZTTK syndrome. Last evaluated: 2019-10-25. Review status: criteria provided, single submitter. Criteria: ACMG Guidelines, 2015. Collection method: clinical testing. Allele origin: germline. Inheritance: Autosomal dominant inheritance. Affected: yes. Observed: 1 heterozygote.
Comment: The c.3408C>A variant is a single base pair substitution at nucleotide c.3408 in exon 3 of 12 of the SON gene, resulting in a premature translational stop signal at amino acid 1136 of 2427 (p.Tyr1136*). This variant is not observed in the Genome Aggregation Database (gnomAD), indicating it is not a common benign variant in the populations represented in this database. While it has not been reported in the literature or any human genetic disease databases, this nonsense p.Tyr1136* variant in the central highly repetitive region of SON’s functional domains, is anticipated to result in nonsense mediated decay. Loss of function is a known mechanism of disease in SON and there are several nonsense and frameshift variants downstream of p.Tyr1136* have been reported to be associated with ZTTK syndrome in the literature (PMID: 27545676 and 27545680) and in the ClinVar database (Accessed: 10/16/2019).

Literature cited by the submitters: PubMed 27545676; PubMed 27545680.

NM_138927.4(SON):c.3408C>A (p.Tyr1136Ter)

Gene: SON (SON DNA and RNA binding protein; plus strand). Cytogenetic location: 21q22.11.
Variant type: single nucleotide variant.
Coding change: c.3408C>A on transcript NM_138927.4 (MANE Select); coding-DNA position 3408, C replaced by A.
Protein change: p.Tyr1136Ter; replaces tyrosine 1136 with a stop codon.
Molecular consequence: nonsense. On other transcripts: non-coding transcript variant (1), intron variant (1).
Genome position (GRCh38, 1-based): chr21:33,552,639, C>A. VCF-style: chr21-33552639-C-A. GRCh37 (hg19) VCF-style: chr21-34924945-C-A.
Other names: c.3408C>A, p.Tyr1136Ter (NM_001291411.2, NM_001412133.1, NM_032195.3 and 2 more transcripts); c.245-4517C>A (NM_001291412.3); short protein forms Y1136*.
Identifiers: ClinVar variation 2581065 (VCV002581065.2), dbSNP rs141414634, ClinGen allele CA410160128.